The following is an entry in ClinVar:

NM_144999.4(LRRC45):c.354-8T>C

Gene: LRRC45 (leucine rich repeat containing 45; plus strand). Cytogenetic location: 17q25.3.
Variant type: single nucleotide variant.
Coding change: c.354-8T>C on transcript NM_144999.4 (MANE Select); 8 bases into the intron before coding-DNA position 354, T replaced by C.
Molecular consequence: intron variant.
Genome position (GRCh38, 1-based): chr17:82,024,992, T>C. VCF-style: chr17-82024992-T-C. GRCh37 (hg19) VCF-style: chr17-79982868-T-C.
Identifiers: ClinVar variation 4980555 (VCV004980555.1).
Genomic context (GRCh38, chr17:82,024,992, plus strand): 5'-CCCCAAGCCCTGGACCCCACGGGCTAGGCAGTCCCCTAGGTGAACACTGGCTTCTGCCCC[T>C]CCTGCAGCCTCACGCTGGAGTGGAACAGCCTGGGCACGTGGGACGATGCCTTCGCCACCT-3'

ClinVar aggregate classification (germline): Likely benign (1 of 4 stars; one submission).

Conditions:
LRRC45-related disorder. Also called: LRRC45-related condition.

Submission:

PreventionGenetics, part of Exact Sciences
Classification: Likely benign for LRRC45-related condition. Last evaluated: 2026-04-28. Review status: criteria provided, single submitter. Criteria: ACMG Guidelines, 2015. Collection method: clinical testing. Allele origin: germline.
Comment: This variant is classified as likely benign based on ACMG/AMP sequence variant interpretation guidelines (Richards et al. 2015 PMID: 25741868, with internal and published modifications).